The following is an entry in ClinVar:

ClinVar aggregate classification (germline): Uncertain significance. Review status: criteria provided, multiple submitters, no conflicts (2 of 4 stars). 5 submissions from 5 submitters: Uncertain significance (4). 1 of the submissions does not count toward it. Last evaluated 2025-08-13.

Conditions:
Retinitis pigmentosa 56 (RP56). Identifiers: Orphanet 791, MedGen C3150819, MONDO:0013314, OMIM 613581.
Vitelliform macular dystrophy 5. Identifiers: Orphanet 99000, MedGen C4015343, MONDO:0014509, OMIM 616152.
IMPG2-related disorder. Also called: IMPG2-related condition.
Inborn genetic diseases. Identifiers: MedGen C0950123, MeSH D030342.

Allele frequency attached by ClinVar (database versions not stated): TOPMed 0.00006; ExAC 0.00010; gnomAD 0.00011; gnomAD exomes 0.00011 and 0.00015.
gnomAD v4.1: 236 of 1,613,958 alleles (0.015%); highest among the groups gnomAD compares: Admixed American, 0.043%; no homozygotes.

Submissions (5):

Ambry Genetics
Classification: Uncertain significance for Inborn genetic diseases. Last evaluated: 2025-08-13. Review status: criteria provided, single submitter. Criteria: Ambry Variant Classification Scheme 2023. Collection method: clinical testing. Allele origin: germline.

Blueprint Genetics
Classification: Uncertain significance. Last evaluated: 2024-08-19. Review status: criteria provided, single submitter. Criteria: ACMG Guidelines, 2015. Collection method: clinical testing. Allele origin: germline.

Department of Pathology and Laboratory Medicine, Sinai Health System
Classification: Uncertain significance for Retinitis pigmentosa 56; Vitelliform macular dystrophy 5. Last evaluated: 2023-02-05. Review status: criteria provided, single submitter. Criteria: ACMG Guidelines, 2015. Collection method: research. Allele origin: germline.

Labcorp Genetics (formerly Invitae), Labcorp
Classification: Uncertain significance. Last evaluated: 2022-10-24. Review status: criteria provided, single submitter. Criteria: Invitae Variant Classification Sherloc (09022015). Collection method: clinical testing. Allele origin: germline.
Comment: This sequence change replaces lysine, which is basic and polar, with arginine, which is basic and polar, at codon 966 of the IMPG2 protein (p.Lys966Arg). This variant is present in population databases (rs201685456, gnomAD 0.04%). This variant has not been reported in the literature in individuals affected with IMPG2-related conditions. ClinVar contains an entry for this variant (Variation ID: 1044355). Advanced modeling of protein sequence and biophysical properties (such as structural, functional, and spatial information, amino acid conservation, physicochemical variation, residue mobility, and thermodynamic stability) performed at Invitae indicates that this missense variant is not expected to disrupt IMPG2 protein function. In summary, the available evidence is currently insufficient to determine the role of this variant in disease. Therefore, it has been classified as a Variant of Uncertain Significance.

PreventionGenetics, part of Exact Sciences
Classification: Uncertain significance for IMPG2-related condition. Last evaluated: 2024-09-16. Review status: no assertion criteria provided. Collection method: clinical testing. Allele origin: germline. Not counted in ClinVar's aggregate classification.
Comment: The IMPG2 c.2897A>G variant is predicted to result in the amino acid substitution p.Lys966Arg. To our knowledge, this variant has not been reported in the literature. This variant is reported in 0.035% of alleles in individuals of Latino descent in gnomAD. At this time, the clinical significance of this variant is uncertain due to the absence of conclusive functional and genetic evidence.

NM_016247.4(IMPG2):c.2897A>G (p.Lys966Arg)

Gene: IMPG2 (interphotoreceptor matrix proteoglycan 2; minus strand). Cytogenetic location: 3q12.3.
Variant type: single nucleotide variant.
Coding change: c.2897A>G on transcript NM_016247.4 (MANE Select); coding-DNA position 2897, A replaced by G.
Protein change: p.Lys966Arg; replaces lysine 966 with arginine.
Molecular consequence: missense variant.
Genome position (GRCh38, 1-based): chr3:101,242,813, T>C on the plus strand (A>G on the coding strand, the complement: IMPG2 is on the minus strand). VCF-style: chr3-101242813-T-C. GRCh37 (hg19) VCF-style: chr3-100961657-T-C.
Other names: c.2897A>G (NM_016247.3); short protein forms K966R.
Identifiers: ClinVar variation 1044355 (VCV001044355.11), dbSNP rs201685456, ClinGen allele CA2518883.